The following is an entry in ClinVar:

ClinVar aggregate classification (germline): Likely pathogenic (1 of 4 stars; one submission).

Submission:

GeneDx
Classification: Likely pathogenic. Last evaluated: 2026-03-04. Review status: criteria provided, single submitter. Criteria: GeneDx Variant Classification Process June 2021. Collection method: clinical testing. Allele origin: germline.
Comment: Not observed at significant frequency in large population cohorts (gnomAD); In silico analysis supports that this missense variant has a deleterious effect on protein structure/function; This variant is associated with the following publications: (PMID: 30405208)

NM_001323289.2(CDKL5):c.217G>T (p.Val73Leu)

Gene: CDKL5 (cyclin dependent kinase like 5; plus strand). Cytogenetic location: Xp22.13.
Variant type: single nucleotide variant.
Coding change: c.217G>T on transcript NM_001323289.2 (MANE Select); coding-DNA position 217, G replaced by T.
Protein change: p.Val73Leu; replaces valine 73 with leucine.
Molecular consequence: missense variant.
Genome position (GRCh38, 1-based): chrX:18,575,425, G>T. VCF-style: chrX-18575425-G-T. GRCh37 (hg19) VCF-style: chrX-18593545-G-T.
Other names: c.217G>T, p.Val73Leu (NM_001037343.2, NM_003159.3); short protein forms V73L.
Identifiers: ClinVar variation 4888121 (VCV004888121.1).
Genomic context (GRCh38, chrX:18,575,425, plus strand): 5'-GTCAAAGAAACGACTTTACGAGAGCTTAAAATGCTTCGGACTCTCAAGCAGGAAAACATT[G>T]TGGAGTTGAAGGAAGCATTTCGTCGGAGGGGAAAGTTGTACTTGGTGTTTGAGTATGTTG-3'
Protein context (NP_001310218.1, residues 63-83): MLRTLKQENI[Val73Leu]ELKEAFRRRG